The following is an entry in ClinVar:

NM_000330.4(RS1):c.185-3176C>T

Genes: CDKL5 (cyclin dependent kinase like 5; plus strand), RS1 (retinoschisin 1; minus strand). Cytogenetic location: Xp22.13.
Variant type: single nucleotide variant.
Coding change: c.185-3176C>T on transcript NM_000330.4 (MANE Select); 3176 bases into the intron before coding-DNA position 185, C replaced by T.
Molecular consequence: intron variant. On other transcripts: missense variant (3).
Genome position (GRCh38, 1-based): chrX:18,650,508, G>A on the plus strand (C>T on the coding strand, the complement: RS1 is on the minus strand). VCF-style: chrX-18650508-G-A. GRCh37 (hg19) VCF-style: chrX-18668628-G-A.
Other names: c.2896G>A (NM_003159.2); c.2896G>A, p.Val966Ile (NM_001037343.2, NM_003159.3); short protein forms V966I.
Identifiers: ClinVar variation 210646 (VCV000210646.20), dbSNP rs747799506, ClinGen allele CA209185.
Genomic context (GRCh38, chrX:18,650,508, plus strand): 5'-ACTCCGTGCGTCCCAAACCGAGCCCTTCATCGTCCAATCTCCAGTCCTGCTCCCTATCCA[G>A]TACTCCAGGTCCGAGGCACTTCCATGTGCCCGACACTCCAGGTCCGAGGCACTGATGCTT-3'

ClinVar aggregate classification (germline): Benign. Review status: reviewed by expert panel (3 of 4 stars). 6 submissions from 6 submitters: Benign (1). 5 of the submissions do not count toward it. Last evaluated 2021-03-26.

Conditions:
CDKL5 disorder. Identifiers: MedGen CN296942, MONDO:0100039.
Developmental and epileptic encephalopathy, 2 (DEE2). Also called: CDKL5 deficiency disorder; INFANTILE SPASM SYNDROME, X-LINKED 2. Identifiers: Orphanet 1934, Orphanet 3451, Orphanet 505652, MedGen C4750718, MONDO:0010396, OMIM 300672.
Angelman syndrome-like. Identifiers: MedGen CN128785.

Allele frequency attached by ClinVar (database versions not stated): ExAC 0.00002; gnomAD 0.00002 and 0.00001; gnomAD exomes 0.00003 and 0.00005; TOPMed 0.00001.
gnomAD v4.1: 53 of 1,210,386 alleles (0.0044%); highest among the groups gnomAD compares: South Asian, 0.042%; no homozygotes.

Submissions (6):

ClinGen Rett and Angelman-like Disorders Variant Curation Expert Panel
Classification: Benign for CDKL5 disorder. Last evaluated: 2021-03-26. Review status: reviewed by expert panel. Criteria: ClinGen RettAS ACMG Specifications V1. Collection method: curation. Allele origin: germline. Inheritance: X-linked inheritance.
Comment: The allele frequency of the p.Val966Ile variant in CDKL5 is 0.03% in South Asian sub population in gnomAD, which is high enough to be classified as benign based on thresholds defined by the ClinGen Rett/Angelman-like Expert Panel for Rett/AS-like conditions (BA1). The p.Val966Ile variant is observed in at least 1 unaffected individual (internal database) (BS2_supporting). Computational analysis prediction tools suggest that the p.Val966Ile variant does not have a deleterious impact; however this information does not predict clinical significance on its own (BP4). In summary, the p.Val966Ile variant in CDKL5 is classified as benign based on the ACMG/AMP criteria applied (BA1, BS2_supporting, BP4, BP5).

Labcorp Genetics (formerly Invitae), Labcorp
Classification: Benign for Developmental and epileptic encephalopathy, 2; Angelman syndrome-like. Last evaluated: 2025-06-23. Review status: criteria provided, single submitter. Criteria: Invitae Variant Classification Sherloc (09022015). Collection method: clinical testing. Allele origin: germline. Not counted in ClinVar's aggregate classification.

Centre for Population Genomics, CPG
Classification: Benign for CDKL5 disorder. Last evaluated: 2024-07-12. Review status: criteria provided, single submitter. Criteria: McKnight et al. (Hum Mutat. 2022). Collection method: curation. Allele origin: germline. Inheritance: X-linked inheritance. Not counted in ClinVar's aggregate classification.
Comment: This variant has been collected from RettBASE and curated to current modified ACMG/AMP criteria. Based on the classification scheme defined by the ClinGen Rett/Angelman-like Expert Panel for Rett/AS-like Disorders Specifications to the ACMG/AMP Variant Interpretation Guidelines VCEP 3.0, this variant is classified as benign. At least the following criteria are met: The allele frequency of this variant in at least one population in gnomAD is higher than the 0.03% threshold defined by the ClinGen Rett/Angelman-like Expert Panel for Rett/AS-like Disorders VCEP 3.0 (BA1).

GeneDx
Classification: Likely benign. Last evaluated: 2020-06-24. Review status: criteria provided, single submitter. Criteria: GeneDx Variant Classification Process June 2021. Collection method: clinical testing. Allele origin: germline. Affected: yes. Not counted in ClinVar's aggregate classification.
Comment: This variant is associated with the following publications: (PMID: 23756444, 23242510)

Mendelics
Classification: Benign for Developmental and epileptic encephalopathy, 2. Last evaluated: 2019-05-28. Review status: criteria provided, single submitter. Criteria: Mendelics Assertion Criteria 2017. Collection method: clinical testing. Allele origin: unknown. Not counted in ClinVar's aggregate classification.

Genetic Services Laboratory, University of Chicago
Classification: Likely benign. Last evaluated: 2015-02-04. Review status: criteria provided, single submitter. Criteria: ACMG Guidelines, 2015. Collection method: clinical testing. Allele origin: germline. Not counted in ClinVar's aggregate classification.